The following is an entry in ClinVar:

ClinVar aggregate classification (germline): Conflicting classifications of pathogenicity. Review status: criteria provided, conflicting classifications (1 of 4 stars). 2 submissions from 2 submitters: Likely pathogenic (1); Uncertain significance (1). Last evaluated 2026-02-12.

Conditions:
Hypophosphatasia. Also called: Phosphoethanol-aminuria. Identifiers: Orphanet 436, MedGen C0020630, MeSH D007014, MONDO:0018570.

Submissions (2):

JKU Lab, Dept of Paediatrics, Johannes Kepler University
Classification: Uncertain significance for Hypophosphatasia. Last evaluated: 2026-02-12. Review status: criteria provided, single submitter. Criteria: ACMG Guidelines, 2015. Collection method: curation. Allele origin: germline.
Comment: This missense variant is not present in GnomAD 4.1 and affects a highly conserved amino acid, not in the functional domain. The variant is predicted to have a moderate effect on protein function (REVEL score: 0.624). Splice-prediction algorithms predict no effect on splicing. This variant has been reported in the literature in individuals affected with ALPL-related conditions (PMID:38234425).

Genomenon, Inc
Classification: Likely pathogenic for Hypophosphatasia. Last evaluated: 2025-08-29. Review status: criteria provided, single submitter. Criteria: Genomenon Sequence Variant Interpretation Standards. Collection method: curation. Allele origin: germline. Affected: yes.
Comment: ALPL c.17T>C is a missense variant that changes the amino acid at residue 6 from Leucine to Serine. This variant has been observed in at least one proband affected with hypophosphatasia and was found to segregate with disease in one affected family (PMID:38234425). At least one functional study has demonstrated a substantial alteration in protein function relative to the wild-type (PMID:38234425). It is absent or not present at a significant frequency in gnomAD. In conclusion, we classify ALPL c.17T>C as a likely pathogenic variant.

Literature cited by the submitters: PubMed 38234425 (cited by JKU Lab, Dept of Paediatrics, Johannes Kepler University and Genomenon, Inc).

NM_000478.6(ALPL):c.17T>C (p.Leu6Ser)

Gene: ALPL (alkaline phosphatase, biomineralization associated; plus strand). Cytogenetic location: 1p36.12.
Variant type: single nucleotide variant.
Coding change: c.17T>C on transcript NM_000478.6 (MANE Select); coding-DNA position 17, T replaced by C.
Protein change: p.Leu6Ser; replaces leucine 6 with serine.
Molecular consequence: missense variant. On other transcripts: intron variant (2).
Genome position (GRCh38, 1-based): chr1:21,554,098, T>C. VCF-style: chr1-21554098-T-C. GRCh37 (hg19) VCF-style: chr1-21880591-T-C.
Other names: c.17T>C, p.Leu6Ser (NM_001369803.2, NM_001369804.2, NM_001369805.2); c.-104-6528T>C (NM_001127501.4); c.-54-6528T>C (NM_001177520.3); short protein forms L6S.
Identifiers: ClinVar variation 4086913 (VCV004086913.2).
Genomic context (GRCh38, chr1:21,554,098, plus strand): 5'-TGCATCTCTGGGCTCCAGGGATAAAGCAGGTCTTGGGGTGCACCATGATTTCACCATTCT[T>C]AGTACTGGCCATTGGCACCTGCCTTACTAACTCCTTAGTGCCAGGTATGCTTGGGGACAC-3'
Protein context (NP_000469.3, residues 1-16): MISPF[Leu6Ser]VLAIGTCLTN